The following is an entry in ClinVar:

NM_001164665.2(KIAA1549):c.1070C>A (p.Thr357Lys)

Gene: KIAA1549 (KIAA1549; minus strand). Cytogenetic location: 7q34.
Variant type: single nucleotide variant.
Coding change: c.1070C>A on transcript NM_001164665.2 (MANE Select); coding-DNA position 1070, C replaced by A.
Protein change: p.Thr357Lys; replaces threonine 357 with lysine.
Molecular consequence: missense variant.
Genome position (GRCh38, 1-based): chr7:138,918,556, G>T on the plus strand (C>A on the coding strand, the complement: KIAA1549 is on the minus strand). VCF-style: chr7-138918556-G-T. GRCh37 (hg19) VCF-style: chr7-138603302-G-T.
Other names: c.1070C>A (NM_001164665.1); c.1070C>A, p.Thr357Lys (NM_020910.3); short protein forms T357K.
Identifiers: ClinVar variation 1361373 (VCV001361373.12), dbSNP rs117227363, ClinGen allele CA4506803.

ClinVar aggregate classification (germline): Conflicting classifications of pathogenicity. Review status: criteria provided, conflicting classifications (1 of 4 stars). 4 submissions from 4 submitters: Uncertain significance (3); Benign (1). Last evaluated 2025-12-10.

Conditions:
Retinitis pigmentosa 86. Identifiers: MedGen C5231428, MONDO:0032834, OMIM 618613.
Inborn genetic diseases. Identifiers: MedGen C0950123, MeSH D030342.

Allele frequency attached by ClinVar (database versions not stated): gnomAD 0.00001 and 0.00005; TOPMed 0.00007; gnomAD exomes 0.00014 and 0.00017; ExAC 0.00022; 1000 Genomes Project 30x 0.00031; 1000 Genomes Project 0.00040.
gnomAD v4.1: 212 of 1,614,048 alleles (0.013%); highest among the groups gnomAD compares: South Asian, 0.17%; 2 homozygotes.

Submissions (4):

Ambry Genetics
Classification: Uncertain significance for Inborn genetic diseases. Last evaluated: 2025-12-10. Review status: criteria provided, single submitter. Criteria: Ambry Variant Classification Scheme 2023. Collection method: clinical testing. Allele origin: germline.

Blueprint Genetics
Classification: Benign. Last evaluated: 2024-10-08. Review status: criteria provided, single submitter. Criteria: ACMG Guidelines, 2015. Collection method: clinical testing. Allele origin: germline.

Labcorp Genetics (formerly Invitae), Labcorp
Classification: Uncertain significance. Last evaluated: 2024-10-08. Review status: criteria provided, single submitter. Criteria: Invitae Variant Classification Sherloc (09022015). Collection method: clinical testing. Allele origin: germline.
Comment: This sequence change replaces threonine, which is neutral and polar, with lysine, which is basic and polar, at codon 357 of the KIAA1549 protein (p.Thr357Lys). This variant is present in population databases (rs117227363, gnomAD 0.1%). This variant has not been reported in the literature in individuals affected with KIAA1549-related conditions. ClinVar contains an entry for this variant (Variation ID: 1361373). An algorithm developed to predict the effect of missense changes on protein structure and function (PolyPhen-2) suggests that this variant¬†is likely to be tolerated. In summary, the available evidence is currently insufficient to determine the role of this variant in disease. Therefore, it has been classified as a Variant of Uncertain Significance.

Fulgent Genetics
Classification: Uncertain significance for Retinitis pigmentosa 86. Last evaluated: 2022-05-13. Review status: criteria provided, single submitter. Criteria: ACMG Guidelines, 2015. Collection method: clinical testing. Allele origin: unknown.